The following is an entry in ClinVar:

ClinVar aggregate classification (germline): Conflicting classifications of pathogenicity. Review status: criteria provided, conflicting classifications (1 of 4 stars). 7 submissions from 7 submitters: Uncertain significance (4); Benign (1); Likely benign (2). Last evaluated 2025-05-14.

Conditions:
IMPDH1-related disorder. Also called: IMPDH1-related disorders; IMPDH1-related condition.
Retinal dystrophy. Also called: Inherited retinal dystrophy. Identifiers: Orphanet 71862, MedGen C0854723, MeSH D058499, MONDO:0019118, HP:0000556.
Retinitis pigmentosa 10 (RP10). Identifiers: Orphanet 791, MedGen C1867299, MONDO:0008379, OMIM 180105.

Allele frequency attached by ClinVar (database versions not stated): gnomAD 0.00003 and 0.00007; gnomAD exomes 0.00006 and 0.00009; TOPMed 0.00006; ExAC 0.00007; 1000 Genomes Project 0.00100; 1000 Genomes Project 30x 0.00109.
gnomAD v4.1: 97 of 1,614,050 alleles (0.006%); highest among the groups gnomAD compares: East Asian, 0.085%; no homozygotes.

Submissions (7):

Labcorp Genetics (formerly Invitae), Labcorp
Classification: Uncertain significance. Last evaluated: 2025-05-14. Review status: criteria provided, single submitter. Criteria: Invitae Variant Classification Sherloc (09022015). Collection method: clinical testing. Allele origin: germline.
Comment: This sequence change replaces threonine, which is neutral and polar, with methionine, which is neutral and non-polar, at codon 479 of the IMPDH1 protein (p.Thr479Met). This variant is present in population databases (rs201001000, gnomAD 0.04%). This missense change has been observed in individual(s) with cone-rod dystrophy (PMID: 33090715). ClinVar contains an entry for this variant (Variation ID: 1044934). An algorithm developed to predict the effect of missense changes on protein structure and function (PolyPhen-2) suggests that this variant is likely to be disruptive. In summary, the available evidence is currently insufficient to determine the role of this variant in disease. Therefore, it has been classified as a Variant of Uncertain Significance.

PreventionGenetics, part of Exact Sciences
Classification: Uncertain significance for IMPDH1-related condition. Last evaluated: 2024-11-26. Review status: criteria provided, single submitter. Criteria: ACMG Guidelines, 2015. Collection method: clinical testing. Allele origin: germline.
Comment: The IMPDH1 c.1436C>T variant is predicted to result in the amino acid substitution p.Thr479Met. This variant has been reported in an individual with cone-rod dystrophy (Table S2, Liu et al. 2020. PubMed ID: 33090715). This variant is reported in 0.050% of alleles in individuals of East Asian descent in gnomAD. At this time, the clinical significance of this variant is uncertain due to the absence of conclusive functional and genetic evidence.

CeGaT Center for Human Genetics Tuebingen
Classification: Uncertain significance. Last evaluated: 2024-03-01. Review status: criteria provided, single submitter. Criteria: CeGaT Center For Human Genetics Tuebingen Variant Classification Criteria Version 2. Collection method: clinical testing. Allele origin: germline. Affected: yes. Observed: 1 variant allele.
Comment: IMPDH1: PP3

Intergen Genetics and Rare Diseases Diagnosis Center
Classification: Likely benign for Retinitis pigmentosa 10. Last evaluated: 2024-01-01. Review status: criteria provided, single submitter. Criteria: ACMG Guidelines, 2015. Collection method: clinical testing. Allele origin: germline. Inheritance: Autosomal dominant inheritance. Affected: no. Observed: 1 heterozygote.

Dept Of Ophthalmology, Nagoya University
Classification: Benign for Retinal dystrophy. Last evaluated: 2023-10-01. Review status: criteria provided, single submitter. Criteria: Submitter's publication. Collection method: research. Allele origin: germline. Affected: yes.

Blueprint Genetics
Classification: Likely benign. Last evaluated: 2023-09-25. Review status: criteria provided, single submitter. Criteria: ACMG Guidelines, 2015. Collection method: clinical testing. Allele origin: germline.

Institute of Human Genetics, Univ. Regensburg, Univ. Regensburg
Classification: Uncertain significance for Retinal dystrophy. Last evaluated: 2021-01-01. Review status: criteria provided, single submitter. Criteria: ACMG Guidelines, 2015. Collection method: clinical testing. Allele origin: germline. Affected: yes.

Literature cited by the submitters: PubMed 33090715 (cited by Labcorp Genetics (formerly Invitae), Labcorp and Institute of Human Genetics, Univ. Regensburg, Univ. Regensburg).

NM_000883.4(IMPDH1):c.1436C>T (p.Thr479Met)

Gene: IMPDH1 (inosine monophosphate dehydrogenase 1; minus strand). Cytogenetic location: 7q32.1.
Variant type: single nucleotide variant.
Coding change: c.1436C>T on transcript NM_000883.4 (MANE Select); coding-DNA position 1436, C replaced by T.
Protein change: p.Thr479Met; replaces threonine 479 with methionine.
Molecular consequence: missense variant.
Genome position (GRCh38, 1-based): chr7:128,395,003, G>A on the plus strand (C>T on the coding strand, the complement: IMPDH1 is on the minus strand). VCF-style: chr7-128395003-G-A. GRCh37 (hg19) VCF-style: chr7-128035057-G-A.
Other names: c.1406C>T, p.Thr469Met (NM_001102605.2); c.1181C>T, p.Thr394Met (NM_001142573.2); c.1166C>T, p.Thr389Met (NM_001142574.2); c.1106C>T, p.Thr369Met (NM_001142575.2); c.1337C>T, p.Thr446Met (NM_001142576.2); c.1229C>T, p.Thr410Met (NM_001304521.2); c.1328C>T, p.Thr443Met (NM_183243.3); c.1436C>T (NM_000883.3); short protein forms T394M, T443M, T369M, T389M, T410M, T469M, T479M, T446M.
Identifiers: ClinVar variation 1044934 (VCV001044934.33), dbSNP rs201001000, ClinGen allele CA4470828.